The following is an entry in ClinVar:

ClinVar aggregate classification (germline): Benign (1 of 4 stars; one submission).

Submission:

Unidad de Genómica Garrahan, Hospital de Pediatría Garrahan
Classification: Benign. Last evaluated: 2024-07-31. Review status: criteria provided, single submitter. Criteria: ACMG Guidelines, 2015. Collection method: clinical testing. Allele origin: germline. Affected: no. Observed: 62 variant alleles.
Comment: This variant is classified as Benign based on local population frequency. This variant was detected in 67% of patients studied in a panel designed for Epileptic and Developmental Encephalopathy, Progressive Myoclonus Epilepsy and Abnormal Movements and Neurodegeneration with brain iron accumulation. Number of patients: 62. Only high quality variants are reported.

NM_020226.4(PRDM8):c.-982-8_-982-4dup

Genes: PRDM8 (PR/SET domain 8; plus strand), PRDM8-AS1 (PRDM8 antisense RNA 1; minus strand). Cytogenetic location: 4q21.21.
Variant type: Duplication.
Coding change: c.-982-8_-982-4dup on transcript NM_020226.4; 8 bases into the intron before 982 bases upstream of the start codon through 4 bases into the intron before 982 bases upstream of the start codon, 5 bases duplicated (TATTA; older notation c.-982-8_-982-4dupTATTA).
Molecular consequence: intron variant.
Genome position (GRCh38, 1-based): chr4:80,191,464-80,191,468, TATTA duplicated; duplicating any 5 consecutive bases within chr4:80,191,462-80,191,468 gives the same sequence; the c. name uses the placement nearest the transcript's 3' end. VCF-style (leftmost placement, unchanged base first): chr4-80191461-C-CTATAT. GRCh37 (hg19) VCF-style: chr4-81112615-C-CTATAT.
Identifiers: ClinVar variation 3256798 (VCV003256798.2).
Genomic context (GRCh38, chr4:80,191,461, plus strand): 5'-AAAAATATGAGTTTTCCTTTAAACTTCCTTAAAAGGAGATTATGAATAATACCACGGTTA[C>CTATAT]TATATTACAGATACTATCAAATCAGCCTGGGAAGCATCTTTTCGCTCAGCAAGTTCAAGA-3'